The following is an entry in ClinVar:

ClinVar aggregate classification (germline): Uncertain significance (1 of 4 stars; one submission).

Allele frequency attached by ClinVar (database versions not stated): TOPMed below 0.00001.

Submission:

Labcorp Genetics (formerly Invitae), Labcorp
Classification: Uncertain significance. Last evaluated: 2022-06-13. Review status: criteria provided, single submitter. Criteria: Invitae Variant Classification Sherloc (09022015). Collection method: clinical testing. Allele origin: germline.
Comment: In summary, the available evidence is currently insufficient to determine the role of this variant in disease. Therefore, it has been classified as a Variant of Uncertain Significance. Algorithms developed to predict the effect of sequence changes on RNA splicing suggest that this variant may disrupt the consensus splice site. Advanced modeling of protein sequence and biophysical properties (such as structural, functional, and spatial information, amino acid conservation, physicochemical variation, residue mobility, and thermodynamic stability) performed at Invitae indicates that this missense variant is expected to disrupt LRP2 protein function. ClinVar contains an entry for this variant (Variation ID: 1061919). This variant has not been reported in the literature in individuals affected with LRP2-related conditions. This variant is not present in population databases (gnomAD no frequency). This sequence change replaces glutamine, which is neutral and polar, with arginine, which is basic and polar, at codon 4019 of the LRP2 protein (p.Gln4019Arg).

NM_004525.3(LRP2):c.12056A>G (p.Gln4019Arg)

Gene: LRP2 (LDL receptor related protein 2; minus strand). Cytogenetic location: 2q31.1.
Variant type: single nucleotide variant.
Coding change: c.12056A>G on transcript NM_004525.3 (MANE Select); coding-DNA position 12056, A replaced by G.
Protein change: p.Gln4019Arg; replaces glutamine 4019 with arginine.
Molecular consequence: missense variant.
Genome position (GRCh38, 1-based): chr2:169,156,369, T>C on the plus strand (A>G on the coding strand, the complement: LRP2 is on the minus strand). VCF-style: chr2-169156369-T-C. GRCh37 (hg19) VCF-style: chr2-170012879-T-C.
Other names: short protein forms Q4019R.
Identifiers: ClinVar variation 1061919 (VCV001061919.7), dbSNP rs1176999537, ClinGen allele CA349137991.